The following is an entry in ClinVar:

ClinVar aggregate classification (germline): Uncertain significance (1 of 4 stars; one submission).

Conditions:
Myoclonic epilepsy, juvenile, susceptibility to, 1. Also called: Myoclonic Epilepsy, Juvenile, 1; EJM1. Identifiers: MedGen C1850778, MONDO:0020752, OMIM 254770.
Epilepsy, juvenile absence, susceptibility to, 1 (EJA1). Identifiers: MedGen C2750892, MONDO:0020772, OMIM 607631.

gnomAD v4.1: 1 of 1,614,122 alleles (0.000062%); highest among the groups gnomAD compares: Non-Finnish European, 0.000085%; no homozygotes.

Submission:

Diagnostics Services (NGS), CSIR - Centre For Cellular And Molecular Biology
Classification: Uncertain significance for Epilepsy, juvenile absence, susceptibility to, 1; Myoclonic epilepsy, juvenile, susceptibility to, 1. Last evaluated: 2026-05-05. Review status: criteria provided, single submitter. Criteria: ACMG Guidelines, 2015. Collection method: clinical testing. Allele origin: germline. Observed: 1 variant allele, 1 heterozygote.
Comment: The c.850G>A variant is not present in publicly available population databases like 1000 Genomes, EVS, gnomAD, Indian Exome Database or our internal database. This variant has neither been published in the literature for EFHC1-related conditions nor reported to clinical databases like Human Genome Mutation Database (HGMD), ClinVar or OMIM in any affected individuals. In-silico pathogenicity prediction programs like SIFT, Polyphen-2, MutationTaster2021, REVEL, CADD, etc. predicted this variant to be likely deleterious, however these predictions were not confirmed by published functional studies.

NM_018100.4(EFHC1):c.850G>A (p.Gly284Arg)

Gene: EFHC1 (EF-hand domain containing 1; plus strand). Cytogenetic location: 6p12.2.
Variant type: single nucleotide variant.
Coding change: c.850G>A on transcript NM_018100.4 (MANE Select); coding-DNA position 850, G replaced by A.
Protein change: p.Gly284Arg; replaces glycine 284 with arginine.
Molecular consequence: missense variant. On other transcripts: non-coding transcript variant (1).
Genome position (GRCh38, 1-based): chr6:52,454,221, G>A. VCF-style: chr6-52454221-G-A. GRCh37 (hg19) VCF-style: chr6-52319019-G-A.
Other names: c.793G>A, p.Gly265Arg (NM_001172420.2); short protein forms G265R, G284R.
Identifiers: ClinVar variation 4884469 (VCV004884469.1).